The following is an entry in ClinVar:

ClinVar aggregate classification (germline): Likely pathogenic (1 of 4 stars; one submission).

Allele frequency attached by ClinVar (database versions not stated): TOPMed below 0.00001.

Submission:

Labcorp Genetics (formerly Invitae), Labcorp
Classification: Likely pathogenic. Last evaluated: 2022-08-16. Review status: criteria provided, single submitter. Criteria: Invitae Variant Classification Sherloc (09022015). Collection method: clinical testing. Allele origin: germline.
Comment: This missense change has been observed in individuals with autosomal recessive congenital hyperinsulinism (PMID: 24401662, 24686051). ClinVar contains an entry for this variant (Variation ID: 1502031). Advanced modeling of protein sequence and biophysical properties (such as structural, functional, and spatial information, amino acid conservation, physicochemical variation, residue mobility, and thermodynamic stability) performed at Invitae indicates that this missense variant is expected to disrupt ABCC8 protein function. This variant is not present in population databases (gnomAD no frequency). In summary, the currently available evidence indicates that the variant is pathogenic, but additional data are needed to prove that conclusively. Therefore, this variant has been classified as Likely Pathogenic. This sequence change replaces leucine, which is neutral and non-polar, with proline, which is neutral and non-polar, at codon 533 of the ABCC8 protein (p.Leu533Pro).

Literature cited by the submitters: PubMed 24401662; PubMed 24686051.

NM_000352.6(ABCC8):c.1598T>C (p.Leu533Pro)

Gene: ABCC8 (ATP binding cassette subfamily C member 8; minus strand). Cytogenetic location: 11p15.1.
Variant type: single nucleotide variant.
Coding change: c.1598T>C on transcript NM_000352.6 (MANE Select); coding-DNA position 1598, T replaced by C.
Protein change: p.Leu533Pro; replaces leucine 533 with proline.
Molecular consequence: missense variant. On other transcripts: non-coding transcript variant (1).
Genome position (GRCh38, 1-based): chr11:17,442,752, A>G on the plus strand (T>C on the coding strand, the complement: ABCC8 is on the minus strand). VCF-style: chr11-17442752-A-G. GRCh37 (hg19) VCF-style: chr11-17464299-A-G.
Other names: c.1598T>C, p.Leu533Pro (NM_001287174.3, NM_001351295.2); c.1595T>C, p.Leu532Pro (NM_001351296.2, NM_001351297.2); short protein forms L533P, L532P.
Identifiers: ClinVar variation 1502031 (VCV001502031.6), dbSNP rs1419269417, ClinGen allele CA379766388.
Genomic context (GRCh38, chr11:17,442,752, plus strand): 5'-CAGGGCTGGCTGTGTGGGGTGAACTCACTGGAGATGGAGGTATAGATGGCAAAGGCCCTG[A>G]GGCTGGTCATCTCCTTCCTGCGGGTCGTCTCCACCCGCGTGCGGAAGATGTTCTCCCAGG-3'
Protein context (NP_000343.2, residues 523-543): ETTRRKEMTS[Leu533Pro]RAFAIYTSIS